The following is an entry in ClinVar:

NM_000051.4(ATM):c.3669T>A (p.Asn1223Lys)

Gene: ATM (ATM serine/threonine kinase; plus strand). Cytogenetic location: 11q22.3.
Variant type: single nucleotide variant.
Coding change: c.3669T>A on transcript NM_000051.4 (MANE Select); coding-DNA position 3669, T replaced by A.
Protein change: p.Asn1223Lys; replaces asparagine 1223 with lysine.
Molecular consequence: missense variant.
Genome position (GRCh38, 1-based): chr11:108,282,802, T>A. VCF-style: chr11-108282802-T-A. GRCh37 (hg19) VCF-style: chr11-108153529-T-A.
Other names: c.3669T>A, p.Asn1223Lys (NM_001351834.2); c.3669T>A (NM_000051.3); short protein forms N1223K.
Identifiers: ClinVar variation 1034571 (VCV001034571.13), dbSNP rs1591641397, ClinGen allele CA382523181.
Genomic context (GRCh38, chr11:108,282,802, plus strand): 5'-TAGACGTTTAGAAGACTTTATGGCATCTCATTTAGATTATCTGGTTTTGGAATGGCTAAA[T>A]CTTCAAGATACTGAATACAACTTATCTTCTTTTCCTTTTATTTTATTAAACTACACAAAT-3'
Protein context (NP_000042.3, residues 1213-1233): HLDYLVLEWL[Asn1223Lys]LQDTEYNLSS

ClinVar aggregate classification (germline): Uncertain significance. Review status: criteria provided, multiple submitters, no conflicts (2 of 4 stars). 3 submissions from 3 submitters: Uncertain significance (2). 1 of the submissions does not count toward it. Last evaluated 2025-01-16.

Conditions:
Ataxia-telangiectasia syndrome (AT). Also called: Ataxia-telangiectasia, complementation group D; ATAXIA-TELANGIECTASIA, COMPLEMENTATION GROUP A; ATAXIA-TELANGIECTASIA, FRESNO VARIANT; Ataxia-telangiectasia; Ataxia-telangiectasia, complementation group E; LOUIS-BAR SYNDROME. Identifiers: Orphanet 100, MedGen C0004135, MONDO:0008840, OMIM 208900.
Hereditary cancer-predisposing syndrome. Also called: Neoplastic Syndromes, Hereditary; Hereditary Cancer Syndrome; Tumor predisposition; Hereditary neoplastic syndrome. Identifiers: Orphanet 140162, MedGen C0027672, MeSH D009386, MONDO:0015356.

Submissions (3):

Ambry Genetics
Classification: Uncertain significance for Hereditary cancer-predisposing syndrome. Last evaluated: 2025-01-16. Review status: criteria provided, single submitter. Criteria: Ambry Variant Classification Scheme 2023. Collection method: clinical testing. Allele origin: germline.
Comment: The p.N1223K variant (also known as c.3669T>A), located in coding exon 24 of the ATM gene, results from a T to A substitution at nucleotide position 3669. The asparagine at codon 1223 is replaced by lysine, an amino acid with similar properties. This amino acid position is conserved. In addition, this alteration is predicted to be tolerated by in silico analysis. Based on the available evidence, the clinical significance of this variant remains unclear.

Labcorp Genetics (formerly Invitae), Labcorp
Classification: Uncertain significance for Ataxia-telangiectasia syndrome. Last evaluated: 2024-09-29. Review status: criteria provided, single submitter. Criteria: Invitae Variant Classification Sherloc (09022015). Collection method: clinical testing. Allele origin: germline.
Comment: This sequence change replaces asparagine, which is neutral and polar, with lysine, which is basic and polar, at codon 1223 of the ATM protein (p.Asn1223Lys). This variant is not present in population databases (gnomAD no frequency). This variant has not been reported in the literature in individuals affected with ATM-related conditions. ClinVar contains an entry for this variant (Variation ID: 1034571). An algorithm developed to predict the effect of missense changes on protein structure and function outputs the following: PolyPhen-2: "Benign". The lysine amino acid residue is found in multiple mammalian species, which suggests that this missense change does not adversely affect protein function. In summary, the available evidence is currently insufficient to determine the role of this variant in disease. Therefore, it has been classified as a Variant of Uncertain Significance.

Natera, Inc.
Classification: Uncertain significance for Ataxia-telangiectasia. Last evaluated: 2021-09-06. Review status: no assertion criteria provided. Collection method: clinical testing. Allele origin: germline. Not counted in ClinVar's aggregate classification.